The following is an entry in ClinVar:

NM_018076.5(ODAD2):c.2127C>T (p.Leu709=)

Gene: ODAD2 (outer dynein arm docking complex subunit 2; minus strand). Cytogenetic location: 10p12.1.
Variant type: single nucleotide variant.
Coding change: c.2127C>T on transcript NM_018076.5 (MANE Select); coding-DNA position 2127, C replaced by T.
Protein change: p.Leu709=; no amino-acid change (leucine 709 retained).
Molecular consequence: synonymous variant.
Genome position (GRCh38, 1-based): chr10:27,936,851, G>A on the plus strand (C>T on the coding strand, the complement: ODAD2 is on the minus strand). VCF-style: chr10-27936851-G-A. GRCh37 (hg19) VCF-style: chr10-28225780-G-A.
Other names: c.2127C>T, p.Leu709= (NM_001290020.2); c.702C>T, p.Leu234= (NM_001290021.2); c.1203C>T, p.Leu401= (NM_001312689.2); c.2127C>T (NM_018076.4).
Identifiers: ClinVar variation 417173 (VCV000417173.18), dbSNP rs111586634, ClinGen allele CA5453294.
Genomic context (GRCh38, chr10:27,936,851, plus strand): 5'-TTTATTGTCAGTGTTATTGAGTAGACTGGCCAAGGGCTTAAGTCCTCCGTGCAGCCTAAC[G>A]AGGTCCCGGGTTTCCTTATCTTCAGCACACTGCACGAAAAGTCAGACAGAGGCTGTCAGT-3'
Protein context (NP_060546.2, residues 699-719): QCAEDKETRD[Leu709=]VRLHGGLKPL

ClinVar aggregate classification (germline): Benign/Likely benign. Review status: criteria provided, multiple submitters, no conflicts (2 of 4 stars). 5 submissions from 5 submitters: Benign (3); Likely benign (1). 1 of the submissions does not count toward it. Last evaluated 2026-01-02.

Conditions:
Primary ciliary dyskinesia 23 (CILD23). Also called: CILIARY DYSKINESIA, PRIMARY, 23, WITH OR WITHOUT SITUS INVERSUS. Identifiers: Orphanet 244, MedGen C3809548, MONDO:0014193, OMIM 615451.
ODAD2-related disorder. Also called: ODAD2-related condition.
Primary ciliary dyskinesia. Also called: Ciliary dyskinesia. Identifiers: Orphanet 244, MedGen C0008780, MONDO:0016575, HP:0012265.

Allele frequency attached by ClinVar (database versions not stated): gnomAD exomes 0.00034 and 0.00088; ExAC 0.00103; 1000 Genomes Project 30x 0.00265; 1000 Genomes Project 0.00280; gnomAD 0.00303 and 0.00328; TOPMed 0.00350; ESP Exome Variant Server 0.00392.
gnomAD v4.1: 981 of 1,611,998 alleles (0.061%); highest among the groups gnomAD compares: African/African-American, 1.2%; 3 homozygotes.

Submissions (5):

Labcorp Genetics (formerly Invitae), Labcorp
Classification: Benign for Primary ciliary dyskinesia 23. Last evaluated: 2026-01-02. Review status: criteria provided, single submitter. Criteria: Invitae Variant Classification Sherloc (09022015). Collection method: clinical testing. Allele origin: germline.

Blueprint Genetics
Classification: Benign. Last evaluated: 2024-10-09. Review status: criteria provided, single submitter. Criteria: ACMG Guidelines, 2015. Collection method: clinical testing. Allele origin: germline.

Ambry Genetics
Classification: Likely benign for Primary ciliary dyskinesia. Last evaluated: 2018-01-17. Review status: criteria provided, single submitter. Criteria: Ambry Variant Classification Scheme 2023. Collection method: clinical testing. Allele origin: germline.

Breakthrough Genomics
Classification: Benign. Review status: criteria provided, single submitter. Criteria: ACMG Guidelines, 2015. Collection method: not provided. Allele origin: germline. Inheritance: Autosomal recessive inheritance. Affected: yes.

PreventionGenetics, part of Exact Sciences
Classification: Benign for ODAD2-related condition. Last evaluated: 2019-08-07. Review status: no assertion criteria provided. Collection method: clinical testing. Allele origin: germline. Not counted in ClinVar's aggregate classification.
Comment: This variant is classified as benign based on ACMG/AMP sequence variant interpretation guidelines (Richards et al. 2015 PMID: 25741868, with internal and published modifications).